The following is an entry in ClinVar:

ClinVar aggregate classification (germline): Pathogenic (1 of 4 stars; one submission).

Conditions:
Intellectual disability. Also called: Intellectual functioning disability; intellectual disabilities; Intellectual developmental disorder. Identifiers: MedGen C3714756, MeSH D008607, MONDO:0001071, HP:0001249.

Submission:

Labcorp Genetics (formerly Invitae), Labcorp
Classification: Pathogenic for Intellectual disability. Last evaluated: 2023-10-03. Review status: criteria provided, single submitter. Criteria: Invitae Variant Classification Sherloc (09022015). Collection method: clinical testing. Allele origin: germline.
Comment: This sequence change replaces arginine, which is basic and polar, with proline, which is neutral and non-polar, at codon 293 of the GABRB2 protein (p.Arg293Pro). This variant is not present in population databases (gnomAD no frequency). This missense change has been observed in individual(s) with GABRB2-related conditions (PMID: 29100083). In at least one individual the variant was observed to be de novo. Advanced modeling of protein sequence and biophysical properties (such as structural, functional, and spatial information, amino acid conservation, physicochemical variation, residue mobility, and thermodynamic stability) has been performed at Invitae for this missense variant, however the output from this modeling did not meet the statistical confidence thresholds required to predict the impact of this variant on GABRB2 protein function. This variant disrupts the p.Arg293 amino acid residue in GABRB2. Other variant(s) that disrupt this residue have been determined to be pathogenic (PMID: 27622563, 32533790, 33325057). This suggests that this residue is clinically significant, and that variants that disrupt this residue are likely to be disease-causing. For these reasons, this variant has been classified as Pathogenic.

Literature cited by the submitters: PubMed 29100083; PubMed 27622563; PubMed 32533790; PubMed 33325057.

NM_001371727.1(GABRB2):c.878G>C (p.Arg293Pro)

Gene: GABRB2 (gamma-aminobutyric acid type A receptor subunit beta2; minus strand). Cytogenetic location: 5q34.
Variant type: single nucleotide variant.
Coding change: c.878G>C on transcript NM_001371727.1 (MANE Select); coding-DNA position 878, G replaced by C.
Protein change: p.Arg293Pro; replaces arginine 293 with proline.
Molecular consequence: missense variant.
Genome position (GRCh38, 1-based): chr5:161,331,082, C>G on the plus strand (G>C on the coding strand, the complement: GABRB2 is on the minus strand). VCF-style: chr5-161331082-C-G. GRCh37 (hg19) VCF-style: chr5-160758089-C-G.
Other names: c.878G>C, p.Arg293Pro (NM_000813.3, NM_021911.3); short protein forms R293P.
Identifiers: ClinVar variation 2734811 (VCV002734811.3), dbSNP rs1210815997, ClinGen allele CA362175429.